The following is an entry in ClinVar:

ClinVar aggregate classification (germline): Uncertain significance (1 of 4 stars; one submission).

Submission:

Labcorp Genetics (formerly Invitae), Labcorp
Classification: Uncertain significance. Last evaluated: 2020-12-18. Review status: criteria provided, single submitter. Criteria: Invitae Variant Classification Sherloc (09022015). Collection method: clinical testing. Allele origin: germline.
Comment: Algorithms developed to predict the effect of missense changes on protein structure and function are either unavailable or do not agree on the potential impact of this missense change (SIFT: "Deleterious"; PolyPhen-2: "Probably Damaging"; Align-GVGD: "Class C0"). In summary, the available evidence is currently insufficient to determine the role of this variant in disease. Therefore, it has been classified as a Variant of Uncertain Significance. This variant has not been reported in the literature in individuals with RIMS1-related conditions. This variant is not present in population databases (ExAC no frequency). This sequence change replaces glycine with cysteine at codon 1616 of the RIMS1 protein (p.Gly1616Cys). The glycine residue is highly conserved and there is a large physicochemical difference between glycine and cysteine.

NM_014989.7(RIMS1):c.4846G>T (p.Gly1616Cys)

Gene: RIMS1 (regulating synaptic membrane exocytosis 1; plus strand). Cytogenetic location: 6q13.
Variant type: single nucleotide variant.
Coding change: c.4846G>T on transcript NM_014989.7 (MANE Select); coding-DNA position 4846, G replaced by T.
Protein change: p.Gly1616Cys; replaces glycine 1616 with cysteine.
Molecular consequence: missense variant.
Genome position (GRCh38, 1-based): chr6:72,399,080, G>T. VCF-style: chr6-72399080-G-T. GRCh37 (hg19) VCF-style: chr6-73108782-G-T.
Other names: c.2806G>T, p.Gly936Cys (NM_001168407.2); c.2221G>T, p.Gly741Cys (NM_001168408.2, NM_001350430.2); c.2050G>T, p.Gly684Cys (NM_001168409.2); c.2248G>T, p.Gly750Cys (NM_001168410.2); c.427G>T, p.Gly143Cys (NM_001168411.2); c.2767G>T, p.Gly923Cys (NM_001350414.2); c.2863G>T, p.Gly955Cys (NM_001350415.2); c.2812G>T, p.Gly938Cys (NM_001350416.2); and 54 more; short protein forms G143C, G684C, G690C, G710C, G714C, G717C, G734C, G741C.
Identifiers: ClinVar variation 1036224 (VCV001036224.8), dbSNP rs2098811074, ClinGen allele CA364821351.